The following is an entry in ClinVar:

NM_022725.4(FANCF):c.656A>G (p.Gln219Arg)

Gene: FANCF (FA complementation group F; minus strand). Cytogenetic location: 11p14.3.
Variant type: single nucleotide variant.
Coding change: c.656A>G on transcript NM_022725.4 (MANE Select); coding-DNA position 656, A replaced by G.
Protein change: p.Gln219Arg; replaces glutamine 219 with arginine.
Molecular consequence: missense variant.
Genome position (GRCh38, 1-based): chr11:22,625,155, T>C on the plus strand (A>G on the coding strand, the complement: FANCF is on the minus strand). VCF-style: chr11-22625155-T-C. GRCh37 (hg19) VCF-style: chr11-22646701-T-C.
Other names: c.656A>G (NM_022725.3); short protein forms Q219R.
Identifiers: ClinVar variation 1037435 (VCV001037435.10), dbSNP rs1230568893, ClinGen allele CA380058601.

ClinVar aggregate classification (germline): Uncertain significance. Review status: criteria provided, multiple submitters, no conflicts (2 of 4 stars). 3 submissions from 3 submitters: Uncertain significance (3). Last evaluated 2025-08-09.

Conditions:
Inborn genetic diseases. Identifiers: MedGen C0950123, MeSH D030342.
Fanconi anemia (FA). Also called: Fanconi's anemia. Identifiers: Orphanet 84, MedGen C0015625, MeSH D005199, MONDO:0019391.
Fanconi anemia complementation group F. Also called: FANCF-Related Fanconi Anemia. Identifiers: Orphanet 84, MedGen C3469526, MONDO:0011325, OMIM 603467.

Allele frequency attached by ClinVar (database versions not stated): TOPMed 0.00001.
gnomAD v4.1: 7 of 1,608,416 alleles (0.00044%); highest among the groups gnomAD compares: Admixed American, 0.005%; no homozygotes.

Submissions (3):

Ambry Genetics
Classification: Uncertain significance for Inborn genetic diseases. Last evaluated: 2025-08-09. Review status: criteria provided, single submitter. Criteria: Ambry Variant Classification Scheme 2023. Collection method: clinical testing. Allele origin: germline.

Fulgent Genetics
Classification: Uncertain significance for Fanconi anemia complementation group F. Last evaluated: 2024-04-22. Review status: criteria provided, single submitter. Criteria: ACMG Guidelines, 2015. Collection method: clinical testing. Allele origin: germline.

Labcorp Genetics (formerly Invitae), Labcorp
Classification: Uncertain significance for Fanconi anemia. Last evaluated: 2022-08-19. Review status: criteria provided, single submitter. Criteria: Invitae Variant Classification Sherloc (09022015). Collection method: clinical testing. Allele origin: germline.
Comment: This sequence change replaces glutamine, which is neutral and polar, with arginine, which is basic and polar, at codon 219 of the FANCF protein (p.Gln219Arg). In summary, the available evidence is currently insufficient to determine the role of this variant in disease. Therefore, it has been classified as a Variant of Uncertain Significance. Algorithms developed to predict the effect of missense changes on protein structure and function output the following: SIFT: "Tolerated"; PolyPhen-2: "Benign"; Align-GVGD: "Class C0". The arginine amino acid residue is found in multiple mammalian species, which suggests that this missense change does not adversely affect protein function. ClinVar contains an entry for this variant (Variation ID: 1037435). This variant has not been reported in the literature in individuals affected with FANCF-related conditions. This variant is not present in population databases (gnomAD no frequency).